The following is an entry in ClinVar:

NM_001283009.2(RTEL1):c.832G>A (p.Val278Ile)

Genes: RTEL1 (regulator of telomere elongation helicase 1; plus strand), RTEL1-TNFRSF6B (RTEL1-TNFRSF6B readthrough (NMD candidate); plus strand). Cytogenetic location: 20q13.33.
Variant type: single nucleotide variant.
Coding change: c.832G>A on transcript NM_001283009.2 (MANE Select); coding-DNA position 832, G replaced by A.
Protein change: p.Val278Ile; replaces valine 278 with isoleucine.
Molecular consequence: missense variant. On other transcripts: non-coding transcript variant (1).
Genome position (GRCh38, 1-based): chr20:63,674,006, G>A. VCF-style: chr20-63674006-G-A. GRCh37 (hg19) VCF-style: chr20-62305359-G-A.
Other names: c.904G>A (NM_032957.4); c.163G>A, p.Val55Ile (NM_001283010.1); c.832G>A, p.Val278Ile (NM_016434.4); c.904G>A, p.Val302Ile (NM_032957.5); short protein forms V278I, V55I, V302I.
Identifiers: ClinVar variation 2051739 (VCV002051739.5), dbSNP rs200429535, ClinGen allele CA9964460.

ClinVar aggregate classification (germline): Uncertain significance. Review status: criteria provided, multiple submitters, no conflicts (2 of 4 stars). 3 submissions from 3 submitters: Uncertain significance (3). Last evaluated 2026-01-06.

Conditions:
Pulmonary fibrosis and/or bone marrow failure, Telomere-related, 3. Also called: PULMONARY FIBROSIS AND/OR BONE MARROW FAILURE SYNDROME, TELOMERE-RELATED, 3. Identifiers: Orphanet 2032, MedGen C4225346, MONDO:0014613, OMIM 616373.
Dyskeratosis congenita, autosomal recessive 5 (DKCB5). Identifiers: MedGen C3554656, MONDO:0014076, OMIM 615190.
Inborn genetic diseases. Identifiers: MedGen C0950123, MeSH D030342.

Allele frequency attached by ClinVar (database versions not stated): ExAC 0.00007; gnomAD 0.00005; gnomAD exomes 0.00002; 1000 Genomes Project 0.00040; 1000 Genomes Project 30x 0.00047; TOPMed 0.00005.
gnomAD v4.1: 41 of 1,614,148 alleles (0.0025%); highest among the groups gnomAD compares: African/African-American, 0.019%; no homozygotes.

Submissions (3):

Labcorp Genetics (formerly Invitae), Labcorp
Classification: Uncertain significance for Dyskeratosis congenita, autosomal recessive 5; Pulmonary fibrosis and/or bone marrow failure, Telomere-related, 3. Last evaluated: 2026-01-06. Review status: criteria provided, single submitter. Criteria: Invitae Variant Classification Sherloc (09022015). Collection method: clinical testing. Allele origin: germline.
Comment: This sequence change replaces valine, which is neutral and non-polar, with isoleucine, which is neutral and non-polar, at codon 278 of the RTEL1 protein (p.Val278Ile). This variant is present in population databases (rs200429535, gnomAD 0.04%). This variant has not been reported in the literature in individuals affected with RTEL1-related conditions. ClinVar contains an entry for this variant (Variation ID: 2051739). An algorithm developed to predict the effect of missense changes on protein structure and function outputs the following: PolyPhen-2: "Benign". The isoleucine amino acid residue is found in multiple mammalian species, which suggests that this missense change does not adversely affect protein function. In summary, the available evidence is currently insufficient to determine the role of this variant in disease. Therefore, it has been classified as a Variant of Uncertain Significance.

Ambry Genetics
Classification: Uncertain significance for Inborn genetic diseases. Last evaluated: 2024-12-10. Review status: criteria provided, single submitter. Criteria: Ambry Variant Classification Scheme 2023. Collection method: clinical testing. Allele origin: germline.
Comment: The p.V278I variant (also known as c.832G>A), located in coding exon 9 of the RTEL1 gene, results from a G to A substitution at nucleotide position 832. The valine at codon 278 is replaced by isoleucine, an amino acid with highly similar properties. This amino acid position is conserved. In addition, this alteration is predicted to be tolerated by in silico analysis. Based on the available evidence, the clinical significance of this variant remains unclear.

GeneDx
Classification: Uncertain significance. Last evaluated: 2024-09-24. Review status: criteria provided, single submitter. Criteria: GeneDx Variant Classification Process June 2021. Collection method: clinical testing. Allele origin: germline. Affected: yes.
Comment: In silico analysis indicates that this missense variant does not alter protein structure/function; Has not been previously published as pathogenic or benign to our knowledge